The following is an entry in ClinVar:

NM_001148.6(ANK2):c.8126A>G (p.Gln2709Arg)

Gene: ANK2 (ankyrin 2; plus strand). Cytogenetic location: 4q26.
Variant type: single nucleotide variant.
Coding change: c.8126A>G on transcript NM_001148.6 (MANE Select); coding-DNA position 8126, A replaced by G.
Protein change: p.Gln2709Arg; replaces glutamine 2709 with arginine.
Molecular consequence: missense variant. On other transcripts: intron variant (68).
Genome position (GRCh38, 1-based): chr4:113,356,744, A>G. VCF-style: chr4-113356744-A-G. GRCh37 (hg19) VCF-style: chr4-114277900-A-G.
Other names: c.7892A>G, p.Gln2631Arg (NM_001386142.1); c.4526A>G, p.Gln1509Arg (NM_001386166.1); c.8267A>G, p.Gln2756Arg (NM_001386174.1); c.8243A>G, p.Gln2748Arg (NM_001386175.1); c.4412-4079A>G (NM_001386186.2, NM_001386148.2); c.4214-4079A>G (NM_001354269.3); c.4292-4079A>G (NM_001386187.2); c.4253-4079A>G (NM_001386147.1); and 35 more; short protein forms Q1509R, Q2631R, Q2709R, Q2748R, Q2756R.
Identifiers: ClinVar variation 3371988 (VCV003371988.1).
Genomic context (GRCh38, chr4:113,356,744, plus strand): 5'-TACAACCTCCTTCTCCACTTCCATCAAGCATGGACTCCAATTCCAGTCCAGAAGAAGTAC[A>G]ATTCCAGCCTGTCGTTTCCAAACAATATACTTTCAAGATGAATGAAGATACTCAGGAAGA-3'
Protein context (NP_001139.3, residues 2699-2719): MDSNSSPEEV[Gln2709Arg]FQPVVSKQYT

ClinVar aggregate classification (germline): Uncertain significance (1 of 4 stars; one submission).

Submission:

GeneDx
Classification: Uncertain significance. Last evaluated: 2024-04-02. Review status: criteria provided, single submitter. Criteria: GeneDx Variant Classification Process June 2021. Collection method: clinical testing. Allele origin: germline. Affected: yes.
Comment: Not observed at significant frequency in large population cohorts (gnomAD); In silico analysis supports that this missense variant does not alter protein structure/function; Has not been previously published as pathogenic or benign to our knowledge